The following is an entry in ClinVar:

ClinVar aggregate classification (germline): Uncertain significance. Review status: criteria provided, multiple submitters, no conflicts (2 of 4 stars). 4 submissions from 4 submitters: Uncertain significance (2). 2 of the submissions do not count toward it. Last evaluated 2026-09-01.

Conditions:
Familial sleep-related hypermotor epilepsy. Also called: Autosomal Dominant Sleep-Related Hypermotor (Hyperkinetic) Epilepsy. Identifiers: Orphanet 98784, MedGen C3696898, MONDO:0000030.
Tobacco use disorder. Identifiers: MedGen C0040336.
Intellectual disability. Also called: intellectual disabilities; Intellectual functioning disability; Intellectual developmental disorder. Identifiers: MedGen C3714756, MeSH D008607, MONDO:0001071, HP:0001249.

Allele frequency attached by ClinVar (database versions not stated): gnomAD exomes below 0.00001 and 0.00002; TOPMed 0.00001; gnomAD 0.00002.
gnomAD v4.1: 28 of 1,613,498 alleles (0.0017%); highest among the groups gnomAD compares: Middle Eastern, 0.016%; no homozygotes.

Submissions (4):

CeGaT Center for Human Genetics Tuebingen
Classification: Uncertain significance. Last evaluated: 2026-09-01. Review status: criteria provided, single submitter. Criteria: CeGaT Center For Human Genetics Tuebingen Variant Classification Criteria Version 2. Collection method: clinical testing. Allele origin: germline. Affected: yes. Observed: 1 variant allele.
Comment: CHRNA4: PM2

Labcorp Genetics (formerly Invitae), Labcorp
Classification: Uncertain significance. Last evaluated: 2024-09-16. Review status: criteria provided, single submitter. Criteria: Invitae Variant Classification Sherloc (09022015). Collection method: clinical testing. Allele origin: germline.
Comment: This sequence change replaces valine, which is neutral and non-polar, with methionine, which is neutral and non-polar, at codon 352 of the CHRNA4 protein (p.Val352Met). This variant is present in population databases (rs121912264, gnomAD 0.003%). This variant has not been reported in the literature in individuals affected with CHRNA4-related conditions. ClinVar contains an entry for this variant (Variation ID: 98302). Invitae Evidence Modeling of protein sequence and biophysical properties (such as structural, functional, and spatial information, amino acid conservation, physicochemical variation, residue mobility, and thermodynamic stability) indicates that this missense variant is not expected to disrupt CHRNA4 protein function with a negative predictive value of 80%. In summary, the available evidence is currently insufficient to determine the role of this variant in disease. Therefore, it has been classified as a Variant of Uncertain Significance.

Centre de Biologie Pathologie Génétique, Centre Hospitalier Universitaire de Lille
Classification: Likely benign for Intellectual disability. Last evaluated: 2019-01-01. Review status: no assertion criteria provided. Collection method: clinical testing. Allele origin: inherited. Affected: yes. Not counted in ClinVar's aggregate classification.

Psychiatry Genetics Yale University
No classification provided. Review status: no classification provided. Collection method: not provided. Allele origin: somatic. Not counted in ClinVar's aggregate classification.

NM_000744.7(CHRNA4):c.1054G>A (p.Val352Met)

Gene: CHRNA4 (cholinergic receptor nicotinic alpha 4 subunit; minus strand). Cytogenetic location: 20q13.33.
Variant type: single nucleotide variant.
Coding change: c.1054G>A on transcript NM_000744.7 (MANE Select); coding-DNA position 1054, G replaced by A.
Protein change: p.Val352Met; replaces valine 352 with methionine.
Molecular consequence: missense variant. On other transcripts: non-coding transcript variant (1).
Genome position (GRCh38, 1-based): chr20:63,350,357, C>T on the plus strand (G>A on the coding strand, the complement: CHRNA4 is on the minus strand). VCF-style: chr20-63350357-C-T. GRCh37 (hg19) VCF-style: chr20-61981709-C-T.
Other names: c.526G>A, p.Val176Met (NM_001256573.2); short protein forms V352M, V176M.
Identifiers: ClinVar variation 98302 (VCV000098302.13), dbSNP rs121912264, ClinGen allele CA150384.